The following is an entry in ClinVar:

ClinVar aggregate classification (germline): Pathogenic/Likely pathogenic. Review status: criteria provided, multiple submitters, no conflicts (2 of 4 stars). 10 submissions from 10 submitters: Pathogenic (5); Likely pathogenic (1). 4 of the submissions do not count toward it. Last evaluated 2024-08-19.

Conditions:
Pulmonary arterial hypertension. Identifiers: Orphanet 182090, MedGen C2973725, MeSH D000081029, MONDO:0015924, HP:0002092.
Idiopathic and/or familial pulmonary arterial hypertension. Identifiers: Orphanet 422, MedGen C5679820, MONDO:0008347.
BMPR2-related disorder. Also called: BMPR2-related disorders; BMPR2-related condition.
Primary pulmonary hypertension. Also called: Idiopathic pulmonary hypertension. Identifiers: MedGen C0152171.
Pulmonary hypertension, primary, 1 (PPH1). Also called: Pulmonary hypertension, familial primary, 1, with or without HHT. Identifiers: Orphanet 422, MedGen C4552070, MONDO:0024533, OMIM 178600.
Pulmonary venoocclusive disease 1 (PVOD1). Also called: Pulmonary venoocclusive disease 1, autosomal dominant. Identifiers: Orphanet 31837, MedGen C3887658, MONDO:0020713, OMIM 265450.

Submissions (10):

Labcorp Genetics (formerly Invitae), Labcorp
Classification: Pathogenic for Primary pulmonary hypertension. Last evaluated: 2024-08-19. Review status: criteria provided, single submitter. Criteria: Invitae Variant Classification Sherloc (09022015). Collection method: clinical testing. Allele origin: germline.
Comment: This sequence change creates a premature translational stop signal (p.Arg873*) in the BMPR2 gene. It is expected to result in an absent or disrupted protein product. Loss-of-function variants in BMPR2 are known to be pathogenic (PMID: 16429395). This variant is not present in population databases (gnomAD no frequency). This premature translational stop signal has been observed in individual(s) with pulmonary arterial hypertension (PMID: 10903931, 18356561, 21737554, 21801371, 25429696). In at least one individual the variant was observed to be de novo. ClinVar contains an entry for this variant (Variation ID: 8805). For these reasons, this variant has been classified as Pathogenic.

GeneDx
Classification: Pathogenic. Last evaluated: 2024-05-12. Review status: criteria provided, single submitter. Criteria: GeneDx Variant Classification Process June 2021. Collection method: clinical testing. Allele origin: germline. Affected: yes.
Comment: Reported in several probands with PAH and found to segregate with disease in multiple unrelated families (PMID: 10903931, 16429395, 31727138, 25429696); Nonsense variant predicted to result in protein truncation or nonsense mediated decay in a gene for which loss-of-function is a known mechanism of disease; Functional studies suggest that R873X results in a transcribed truncated protein, although this data were not confirmed via western blot (PMID: 25429696); Not observed at significant frequency in large population cohorts (gnomAD); This variant is associated with the following publications: (PMID: 34589526, 33007923, 33380512, 27811071, 23675998, 21737554, 21801371, 18356561, 16717148, 26387786, 10903931, 25429696, 29743074, 16429395, 30578397, 31727138, 32581362, 26699722, 32634488)

Fulgent Genetics
Classification: Pathogenic for Pulmonary hypertension, primary, 1; Pulmonary venoocclusive disease 1. Last evaluated: 2024-04-25. Review status: criteria provided, single submitter. Criteria: ACMG Guidelines, 2015. Collection method: clinical testing. Allele origin: germline.

Blueprint Genetics
Classification: Pathogenic for BMPR2-related disorders. Last evaluated: 2024-01-22. Review status: criteria provided, single submitter. Criteria: ACMG Guidelines, 2015. Collection method: clinical testing. Allele origin: germline. Affected: yes. Observed: 2 variant alleles.

Revvity Omics, Revvity
Classification: Likely pathogenic. Last evaluated: 2022-01-31. Review status: criteria provided, single submitter. Criteria: ACMG Guidelines, 2015. Collection method: clinical testing. Allele origin: germline.

Juno Genomics, Hangzhou Juno Genomics, Inc
Classification: Pathogenic for Pulmonary hypertension, primary, 1; Pulmonary venoocclusive disease 1. Review status: criteria provided, single submitter. Criteria: ACMG Guidelines, 2015. Collection method: clinical testing. Allele origin: germline.
Comment: Absent from controls (or at extremely low frequency if recessive) in Genome Aggregation Database.;Null variant in a gene where loss of function (LOF) is a known mechanism of disease.;The prevalence of the variant in affected individuals is significantly increased compared to the prevalence in controls.;Patient's phenotype or family history is highly specific for a disease with a single genetic etiology.

OMIM
Classification: Pathogenic for PULMONARY HYPERTENSION, PRIMARY, 1. Last evaluated: 2000-09-01. Review status: no assertion criteria provided. Collection method: literature only. Allele origin: germline. Not counted in ClinVar's aggregate classification.

NIHR Bioresource Rare Diseases, University of Cambridge
Classification: Pathogenic for Pulmonary arterial hypertension. Review status: no assertion criteria provided. Collection method: research. Allele origin: unknown. Affected: yes. Observed: 4 variant alleles. Not counted in ClinVar's aggregate classification.

Rare Disease Genomics Group, St George's University of London
Classification: Pathogenic for Primary pulmonary hypertension. Review status: no assertion criteria provided. Collection method: literature only. Allele origin: germline. Affected: yes. Not counted in ClinVar's aggregate classification.

Wendy Chung Laboratory, Boston Children's Hospital
No classification provided. Condition: Idiopathic and/or familial pulmonary arterial hypertension. Review status: no classification provided. Collection method: literature only. Allele origin: germline. Affected: yes. Not counted in ClinVar's aggregate classification.

Literature cited by the submitters: PubMed 16429395 (cited by Labcorp Genetics (formerly Invitae), Labcorp and Rare Disease Genomics Group, St George's University of London); PubMed 10903931 (cited by 3 submitters); PubMed 18356561 (cited by Labcorp Genetics (formerly Invitae), Labcorp and Rare Disease Genomics Group, St George's University of London); PubMed 21737554 (cited by Labcorp Genetics (formerly Invitae), Labcorp and Rare Disease Genomics Group, St George's University of London); PubMed 21801371 (cited by Labcorp Genetics (formerly Invitae), Labcorp and Rare Disease Genomics Group, St George's University of London); PubMed 25429696 (cited by Labcorp Genetics (formerly Invitae), Labcorp); PubMed 32581362 (cited by NIHR Bioresource Rare Diseases, University of Cambridge); PubMed 16717148 (cited by Rare Disease Genomics Group, St George's University of London); PubMed 23675998 (cited by Rare Disease Genomics Group, St George's University of London); PubMed 31727138 (cited by Wendy Chung Laboratory, Boston Children's Hospital).

NM_001204.7(BMPR2):c.2617C>T (p.Arg873Ter)

Gene: BMPR2 (bone morphogenetic protein receptor type 2; plus strand). Cytogenetic location: 2q33.2.
Variant type: single nucleotide variant.
Coding change: c.2617C>T on transcript NM_001204.7 (MANE Select); coding-DNA position 2617, C replaced by T.
Protein change: p.Arg873Ter; replaces arginine 873 with a stop codon.
Molecular consequence: nonsense.
Genome position (GRCh38, 1-based): chr2:202,556,282, C>T. VCF-style: chr2-202556282-C-T. GRCh37 (hg19) VCF-style: chr2-203421005-C-T.
Other names: c.2617C>T, p.Arg873Ter (LRG_712t1); short protein forms R873*.
Identifiers: ClinVar variation 8805 (VCV000008805.21), dbSNP rs137852748, ClinGen allele CA278086.